The following is an entry in ClinVar:

ClinVar aggregate classification (germline): Uncertain significance (1 of 4 stars; one submission).

Submission:

Labcorp Genetics (formerly Invitae), Labcorp
Classification: Uncertain significance. Last evaluated: 2024-04-12. Review status: criteria provided, single submitter. Criteria: Invitae Variant Classification Sherloc (09022015). Collection method: clinical testing. Allele origin: germline.
Comment: This sequence change replaces proline, which is neutral and non-polar, with arginine, which is basic and polar, at codon 260 of the GABRA2 protein (p.Pro260Arg). This variant is not present in population databases (gnomAD no frequency). This variant has not been reported in the literature in individuals affected with GABRA2-related conditions. An algorithm developed to predict the effect of missense changes on protein structure and function (PolyPhen-2) suggests that this variant is likely to be disruptive. In summary, the available evidence is currently insufficient to determine the role of this variant in disease. Therefore, it has been classified as a Variant of Uncertain Significance.

NM_000807.4(GABRA2):c.779C>G (p.Pro260Arg)

Gene: GABRA2 (gamma-aminobutyric acid type A receptor subunit alpha2; minus strand). Cytogenetic location: 4p12.
Variant type: single nucleotide variant.
Coding change: c.779C>G on transcript NM_000807.4 (MANE Select); coding-DNA position 779, C replaced by G.
Protein change: p.Pro260Arg; replaces proline 260 with arginine.
Molecular consequence: missense variant.
Genome position (GRCh38, 1-based): chr4:46,303,537, G>C on the plus strand (C>G on the coding strand, the complement: GABRA2 is on the minus strand). VCF-style: chr4-46303537-G-C. GRCh37 (hg19) VCF-style: chr4-46305554-G-C.
Other names: c.779C>G, p.Pro260Arg (NM_001377148.1, NM_001377149.1, NM_001377150.1 and 8 more transcripts); c.614C>G, p.Pro205Arg (NM_001377152.1, NM_001377153.1, NM_001377154.1 and 1 more transcripts); short protein forms P205R, P260R.
Identifiers: ClinVar variation 3649676 (VCV003649676.2).